The following is an entry in ClinVar:

ClinVar aggregate classification (germline): Uncertain significance (1 of 4 stars; one submission).

gnomAD v4.1: 2 of 1,613,868 alleles (0.00012%); highest among the groups gnomAD compares: Non-Finnish European, 0.00017%; no homozygotes.

Submission:

GeneDx
Classification: Uncertain significance. Last evaluated: 2026-02-18. Review status: criteria provided, single submitter. Criteria: GeneDx Variant Classification Process June 2021. Collection method: clinical testing. Allele origin: germline.
Comment: Not observed at significant frequency in large population cohorts (gnomAD); In silico analysis supports that this missense variant has a deleterious effect on protein structure/function; Has not been previously published as pathogenic or benign to our knowledge

NM_001382241.1(TNPO2):c.2138A>G (p.Asn713Ser)

Gene: TNPO2 (transportin 2; minus strand). Cytogenetic location: 19p13.13.
Variant type: single nucleotide variant.
Coding change: c.2138A>G on transcript NM_001382241.1 (MANE Select); coding-DNA position 2138, A replaced by G.
Protein change: p.Asn713Ser; replaces asparagine 713 with serine.
Molecular consequence: missense variant. On other transcripts: non-coding transcript variant (6).
Genome position (GRCh38, 1-based): chr19:12,703,499, T>C on the plus strand (A>G on the coding strand, the complement: TNPO2 is on the minus strand). VCF-style: chr19-12703499-T-C. GRCh37 (hg19) VCF-style: chr19-12814313-T-C.
Other names: c.2138A>G, p.Asn713Ser (NM_001136195.2, NM_001136196.2, NM_001382236.1 and 7 more transcripts); short protein forms N713S.
Identifiers: ClinVar variation 5009683 (VCV005009683.1).
Genomic context (GRCh38, chr19:12,703,499, plus strand): 5'-CAGATTTCACCAATGGCCCAGGTGGCGTTGTTGCAGACGGAGATGAACTCTGGGTTCAGG[T>C]TGGTGCCCAGAATGGGCATGAACTCGGCTGGTGGGGAGAAACAGGGGTGCTGAGAAGGAG-3'
Protein context (NP_001369170.1, residues 703-723): IAEFMPILGT[Asn713Ser]LNPEFISVCN